The following is an entry in ClinVar:

ClinVar aggregate classification (germline): Conflicting classifications of pathogenicity. Review status: criteria provided, conflicting classifications (1 of 4 stars). 4 submissions from 4 submitters: Uncertain significance (1); Likely benign (3). Last evaluated 2025-07-02.

Conditions:
Rafiq syndrome (RAFQS). Identifiers: Orphanet 88616, MedGen C3280127, MONDO:0013624, OMIM 614202.
Inborn genetic diseases. Identifiers: MedGen C0950123, MeSH D030342.

Allele frequency attached by ClinVar (database versions not stated): gnomAD exomes 0.00007 and 0.00010; ExAC 0.00015; gnomAD 0.00035 and 0.00038; TOPMed 0.00042; ESP Exome Variant Server 0.00046.
gnomAD v4.1: 157 of 1,613,006 alleles (0.0097%); highest among the groups gnomAD compares: African/African-American, 0.12%; no homozygotes.

Submissions (4):

Labcorp Genetics (formerly Invitae), Labcorp
Classification: Likely benign for Rafiq syndrome. Last evaluated: 2025-07-02. Review status: criteria provided, single submitter. Criteria: Invitae Variant Classification Sherloc (09022015). Collection method: clinical testing. Allele origin: germline.

CeGaT Center for Human Genetics Tuebingen
Classification: Likely benign. Last evaluated: 2022-06-01. Review status: criteria provided, single submitter. Criteria: CeGaT Center For Human Genetics Tuebingen Variant Classification Criteria Version 2. Collection method: clinical testing. Allele origin: germline. Affected: yes. Observed: 1 variant allele.
Comment: MAN1B1: BP4, BP7

Ambry Genetics
Classification: Likely benign for Inborn genetic diseases. Last evaluated: 2018-07-14. Review status: criteria provided, single submitter. Criteria: Ambry Variant Classification Scheme 2023. Collection method: clinical testing. Allele origin: germline.

Genetic Services Laboratory, University of Chicago
Classification: Uncertain significance. Last evaluated: 2015-01-12. Review status: criteria provided, single submitter. Criteria: ACMG Guidelines, 2015. Collection method: clinical testing. Allele origin: germline.

NM_016219.5(MAN1B1):c.1287C>T (p.His429=)

Gene: MAN1B1 (mannosidase alpha class 1B member 1; plus strand). Cytogenetic location: 9q34.3.
Variant type: single nucleotide variant.
Coding change: c.1287C>T on transcript NM_016219.5 (MANE Select); coding-DNA position 1287, C replaced by T.
Protein change: p.His429=; no amino-acid change (histidine 429 retained).
Molecular consequence: synonymous variant. On other transcripts: non-coding transcript variant (2).
Genome position (GRCh38, 1-based): chr9:137,106,157, C>T. VCF-style: chr9-137106157-C-T. GRCh37 (hg19) VCF-style: chr9-140000609-C-T.
Identifiers: ClinVar variation 211419 (VCV000211419.41), dbSNP rs145524720, ClinGen allele CA207173.
Genomic context (GRCh38, chr9:137,106,157, plus strand): 5'-AAACCCACCATCCCCCTTTCTGCCGCAGGAGGCAGTGGAGAAGGTGACACAGCACATCCA[C>T]GGCCTGTCTGGGAAGAAGGATGGGCTGGTGCCCATGTTCATCAATACCCACAGTGGCCTC-3'
Protein context (NP_057303.2, residues 419-439): EAVEKVTQHI[His429=]GLSGKKDGLV